The following is an entry in ClinVar:

ClinVar aggregate classification (germline): Uncertain significance (1 of 4 stars; one submission).

Conditions:
Hereditary cancer-predisposing syndrome. Also called: Hereditary Cancer Syndrome; Hereditary neoplastic syndrome; Tumor predisposition; Neoplastic Syndromes, Hereditary. Identifiers: Orphanet 140162, MedGen C0027672, MeSH D009386, MONDO:0015356.

Submission:

Ambry Genetics
Classification: Uncertain significance for Hereditary cancer-predisposing syndrome. Last evaluated: 2025-05-19. Review status: criteria provided, single submitter. Criteria: Ambry Variant Classification Scheme 2023. Collection method: clinical testing. Allele origin: germline.
Comment: The p.R364P variant (also known as c.1091G>C), located in coding exon 9 of the SUFU gene, results from a G to C substitution at nucleotide position 1091. The arginine at codon 364 is replaced by proline, an amino acid with dissimilar properties. This amino acid position is highly conserved in available vertebrate species. In addition, this alteration is predicted to be deleterious by in silico analysis. Based on the available evidence, the clinical significance of this variant remains unclear.

NM_016169.4(SUFU):c.1091G>C (p.Arg364Pro)

Gene: SUFU (SUFU negative regulator of hedgehog signaling; plus strand). Cytogenetic location: 10q24.32.
Variant type: single nucleotide variant.
Coding change: c.1091G>C on transcript NM_016169.4 (MANE Select); coding-DNA position 1091, G replaced by C.
Protein change: p.Arg364Pro; replaces arginine 364 with proline.
Molecular consequence: missense variant.
Genome position (GRCh38, 1-based): chr10:102,615,336, G>C. VCF-style: chr10-102615336-G-C. GRCh37 (hg19) VCF-style: chr10-104375093-G-C.
Other names: c.1091G>C, p.Arg364Pro (NM_001178133.2); short protein forms R364P.
Identifiers: ClinVar variation 1789499 (VCV001789499.3), dbSNP rs749802616, ClinGen allele CA212240752.